The following is an entry in ClinVar:

NM_000548.5(TSC2):c.3902AGG[1] (p.Glu1302del)

Gene: TSC2 (TSC complex subunit 2; plus strand). Cytogenetic location: 16p13.3.
Variant type: Microsatellite.
Coding change: c.3902AGG[1] on transcript NM_000548.5 (MANE Select); one copy of the 3-base unit AGG starting at c.3902; the reference has two copies in a row; one copy, 3 bases deleted.
Protein change: p.Glu1302del; deletes glutamic acid 1302.
Molecular consequence: inframe indel (on NM_000548.3). On other transcripts: non-coding transcript variant (5).
Genome position (GRCh38, 1-based): chr16:2,083,716-2,083,718, AGG deleted; deleting any 3 consecutive bases within chr16:2,083,711-2,083,718 gives the same sequence; the position shown is the placement nearest the transcript's 3' end. VCF-style (leftmost placement, unchanged base first): chr16-2083710-TGGA-T. GRCh37 (hg19) VCF-style: chr16-2133711-TGGA-T.
Other names: c.3902_3904AGG[1], p.Glu1302del (NM_000548.3); c.3701AGG[1], p.Glu1235del (NM_001077183.3); c.3833AGG[1], p.Glu1279del (NM_001114382.3); c.3593AGG[1], p.Glu1199del (NM_001318827.2); c.3557AGG[1], p.Glu1187del (NM_001318829.2); c.3170AGG[1], p.Glu1058del (NM_001318831.2); c.3734AGG[1], p.Glu1246del (NM_001318832.2); c.3704AGG[1], p.Glu1236del (NM_001363528.2); and 28 more; short protein forms E1035del, E1278del, E1301del, E831del, E1078del, E1079del, E1082del, E1102del.
Identifiers: ClinVar variation 4192173 (VCV004192173.1).

ClinVar aggregate classification (germline): Uncertain significance (1 of 4 stars; one submission).

Conditions:
Hereditary cancer-predisposing syndrome. Also called: Neoplastic Syndromes, Hereditary; Tumor predisposition; Hereditary Cancer Syndrome; Hereditary neoplastic syndrome. Identifiers: Orphanet 140162, MedGen C0027672, MeSH D009386, MONDO:0015356.

Submission:

Ambry Genetics
Classification: Uncertain significance for Hereditary cancer-predisposing syndrome. Last evaluated: 2025-08-18. Review status: criteria provided, single submitter. Criteria: Ambry Variant Classification Scheme 2023. Collection method: clinical testing. Allele origin: germline.
Comment: The c.3905_3907delAGG variant (also known as p.E1302del) is located in coding exon 32 of the TSC2 gene. This variant results from an in-frame AGG deletion at nucleotide positions 3905 to 3907. This results in the in-frame deletion of a glutamic acid at codon 1302. This amino acid position is highly conserved in available vertebrate species. In addition, the in silico prediction for this variant is inconclusive (Choi Y et al. PLoS ONE. 2012; 7(10):e46688). Based on the available evidence, the clinical significance of this variant remains unclear.